The following is an entry in ClinVar:

NM_002439.5(MSH3):c.770G>A (p.Arg257Lys)

Gene: MSH3 (mutS homolog 3; plus strand). Cytogenetic location: 5q14.1.
Variant type: single nucleotide variant.
Coding change: c.770G>A on transcript NM_002439.5 (MANE Select); coding-DNA position 770, G replaced by A.
Protein change: p.Arg257Lys; replaces arginine 257 with lysine.
Molecular consequence: missense variant.
Genome position (GRCh38, 1-based): chr5:80,670,287, G>A. VCF-style: chr5-80670287-G-A. GRCh37 (hg19) VCF-style: chr5-79966106-G-A.
Other names: short protein forms R257K.
Identifiers: ClinVar variation 1760261 (VCV001760261.7), dbSNP rs2112812398, ClinGen allele CA360266985.

ClinVar aggregate classification (germline): Uncertain significance. Review status: criteria provided, multiple submitters, no conflicts (2 of 4 stars). 2 submissions from 2 submitters: Uncertain significance (2). Last evaluated 2022-05-16.

Conditions:
Hereditary cancer-predisposing syndrome. Also called: Neoplastic Syndromes, Hereditary; Tumor predisposition; Hereditary Cancer Syndrome; Hereditary neoplastic syndrome. Identifiers: Orphanet 140162, MedGen C0027672, MeSH D009386, MONDO:0015356.

Submissions (2):

Labcorp Genetics (formerly Invitae), Labcorp
Classification: Uncertain significance. Last evaluated: 2022-05-16. Review status: criteria provided, single submitter. Criteria: Invitae Variant Classification Sherloc (09022015). Collection method: clinical testing. Allele origin: germline.
Comment: In summary, the available evidence is currently insufficient to determine the role of this variant in disease. Therefore, it has been classified as a Variant of Uncertain Significance. Algorithms developed to predict the effect of missense changes on protein structure and function (SIFT, PolyPhen-2, Align-GVGD) all suggest that this variant is likely to be tolerated. This sequence change replaces arginine, which is basic and polar, with lysine, which is basic and polar, at codon 257 of the MSH3 protein (p.Arg257Lys). This variant is not present in population databases (gnomAD no frequency). This variant has not been reported in the literature in individuals affected with MSH3-related conditions.

Ambry Genetics
Classification: Uncertain significance for Hereditary cancer-predisposing syndrome. Last evaluated: 2021-01-27. Review status: criteria provided, single submitter. Criteria: Ambry Variant Classification Scheme 2023. Collection method: clinical testing. Allele origin: germline.
Comment: The p.R257K variant (also known as c.770G>A), located in coding exon 4 of the MSH3 gene, results from a G to A substitution at nucleotide position 770. The arginine at codon 257 is replaced by lysine, an amino acid with highly similar properties. This amino acid position is highly conserved in available vertebrate species. In addition, the in silico prediction for this alteration is inconclusive. Since supporting evidence is limited at this time, the clinical significance of this alteration remains unclear.